The following is an entry in ClinVar:

NM_000135.4(FANCA):c.962G>A (p.Ser321Asn)

Gene: FANCA (FA complementation group A; minus strand). Cytogenetic location: 16q24.3.
Variant type: single nucleotide variant.
Coding change: c.962G>A on transcript NM_000135.4 (MANE Select); coding-DNA position 962, G replaced by A.
Protein change: p.Ser321Asn; replaces serine 321 with asparagine.
Molecular consequence: missense variant.
Genome position (GRCh38, 1-based): chr16:89,795,950, C>T on the plus strand (G>A on the coding strand, the complement: FANCA is on the minus strand). VCF-style: chr16-89795950-C-T. GRCh37 (hg19) VCF-style: chr16-89862358-C-T.
Other names: c.962G>A, p.Ser321Asn (NM_001286167.3); short protein forms S321N.
Identifiers: ClinVar variation 2146156 (VCV002146156.4), dbSNP rs2040231754, ClinGen allele CA397470013.

ClinVar aggregate classification (germline): Uncertain significance (1 of 4 stars; one submission).

Conditions:
Fanconi anemia (FA). Also called: Fanconi's anemia. Identifiers: Orphanet 84, MedGen C0015625, MeSH D005199, MONDO:0019391.

Allele frequency attached by ClinVar (database versions not stated): gnomAD exomes below 0.00001; gnomAD 0.00001.
gnomAD v4.1: 2 of 1,614,066 alleles (0.00012%); highest among the groups gnomAD compares: African/African-American, 0.0013%; no homozygotes.

Submission:

Labcorp Genetics (formerly Invitae), Labcorp
Classification: Uncertain significance for Fanconi anemia. Last evaluated: 2022-06-26. Review status: criteria provided, single submitter. Criteria: Invitae Variant Classification Sherloc (09022015). Collection method: clinical testing. Allele origin: germline.
Comment: In summary, the available evidence is currently insufficient to determine the role of this variant in disease. Therefore, it has been classified as a Variant of Uncertain Significance. Advanced modeling of protein sequence and biophysical properties (such as structural, functional, and spatial information, amino acid conservation, physicochemical variation, residue mobility, and thermodynamic stability) performed at Invitae indicates that this missense variant is not expected to disrupt FANCA protein function. This variant has not been reported in the literature in individuals affected with FANCA-related conditions. This variant is not present in population databases (gnomAD no frequency). This sequence change replaces serine, which is neutral and polar, with asparagine, which is neutral and polar, at codon 321 of the FANCA protein (p.Ser321Asn).